The following is an entry in ClinVar:

ClinVar aggregate classification (germline): Uncertain significance. Review status: criteria provided, multiple submitters, no conflicts (2 of 4 stars). 2 submissions from 2 submitters: Uncertain significance (2). Last evaluated 2026-08-18.

Conditions:
Bloom syndrome (BLM). Also called: Bloom-Torre-Machacek syndrome. Identifiers: Orphanet 125, MedGen C0005859, MONDO:0008876, OMIM 210900.
Hereditary cancer-predisposing syndrome. Also called: Tumor predisposition; Hereditary Cancer Syndrome; Hereditary neoplastic syndrome; Neoplastic Syndromes, Hereditary. Identifiers: Orphanet 140162, MedGen C0027672, MeSH D009386, MONDO:0015356.

Submissions (2):

Ambry Genetics
Classification: Uncertain significance for Hereditary cancer-predisposing syndrome. Last evaluated: 2026-08-18. Review status: criteria provided, single submitter. Criteria: Ambry Variant Classification Scheme 2023. Collection method: clinical testing. Allele origin: germline.
Comment: The p.L1204S variant (also known as c.3611T>C), located in coding exon 18 of the BLM gene, results from a T to C substitution at nucleotide position 3611. The leucine at codon 1204 is replaced by serine, an amino acid with dissimilar properties. This amino acid position is conserved. In addition, this alteration is predicted to be tolerated by in silico analysis. Based on the available evidence, the clinical significance of this variant remains unclear.

Labcorp Genetics (formerly Invitae), Labcorp
Classification: Uncertain significance for Bloom syndrome. Last evaluated: 2024-04-10. Review status: criteria provided, single submitter. Criteria: Invitae Variant Classification Sherloc (09022015). Collection method: clinical testing. Allele origin: germline.
Comment: This sequence change replaces leucine, which is neutral and non-polar, with serine, which is neutral and polar, at codon 1204 of the BLM protein (p.Leu1204Ser). This variant is not present in population databases (gnomAD no frequency). This variant has not been reported in the literature in individuals affected with BLM-related conditions. ClinVar contains an entry for this variant (Variation ID: 2129096). Advanced modeling of protein sequence and biophysical properties (such as structural, functional, and spatial information, amino acid conservation, physicochemical variation, residue mobility, and thermodynamic stability) performed at Invitae indicates that this missense variant is not expected to disrupt BLM protein function with a negative predictive value of 80%. In summary, the available evidence is currently insufficient to determine the role of this variant in disease. Therefore, it has been classified as a Variant of Uncertain Significance.

NM_000057.4(BLM):c.3611T>C (p.Leu1204Ser)

Gene: BLM (BLM RecQ like helicase; plus strand). Cytogenetic location: 15q26.1.
Variant type: single nucleotide variant.
Coding change: c.3611T>C on transcript NM_000057.4 (MANE Select); coding-DNA position 3611, T replaced by C.
Protein change: p.Leu1204Ser; replaces leucine 1204 with serine.
Molecular consequence: missense variant. On other transcripts: intron variant (1).
Genome position (GRCh38, 1-based): chr15:90,804,219, T>C. VCF-style: chr15-90804219-T-C. GRCh37 (hg19) VCF-style: chr15-91347449-T-C.
Other names: c.3611T>C, p.Leu1204Ser (NM_001287246.2); c.2486T>C, p.Leu829Ser (NM_001287248.2); c.3359-4918T>C (NM_001287247.2); short protein forms L1204S, L829S.
Identifiers: ClinVar variation 2129096 (VCV002129096.5), dbSNP rs2505549800, ClinGen allele CA393847998.